The following is an entry in ClinVar:

ClinVar aggregate classification (germline): Likely benign. Review status: criteria provided, multiple submitters, no conflicts (2 of 4 stars). 2 submissions from 2 submitters: Likely benign (2). Last evaluated 2024-05-19.

Conditions:
Hereditary spastic paraplegia 11. Also called: Spastic Paraplegia 11; Spastic paraplegia, mental retardation and thin corpus callosum; Nakamura Osame syndrome; Autosomal recessive hereditary spastic paraplegia, mental impairment, and thin corpus callosum; SPASTIC PARAPLEGIA, AUTOSOMAL RECESSIVE, COMPLICATED, WITH THIN CORPUS CALLOSUM; SPASTIC PARAPLEGIA, AUTOSOMAL RECESSIVE, WITH MENTAL IMPAIRMENT AND THIN CORPUS CALLOSUM. Identifiers: Orphanet 2822, MedGen C1858479, MONDO:0011445, OMIM 604360.

Submissions (2):

Labcorp Genetics (formerly Invitae), Labcorp
Classification: Likely benign for Hereditary spastic paraplegia 11. Last evaluated: 2024-05-19. Review status: criteria provided, single submitter. Criteria: Invitae Variant Classification Sherloc (09022015). Collection method: clinical testing. Allele origin: germline.

GeneDx
Classification: Likely benign. Last evaluated: 2017-07-18. Review status: criteria provided, single submitter. Criteria: GeneDx Variant Classification (06012015). Collection method: clinical testing. Allele origin: germline. Affected: yes.
Comment: This variant is considered likely benign or benign based on one or more of the following criteria: it is a conservative change, it occurs at a poorly conserved position in the protein, it is predicted to be benign by multiple in silico algorithms, and/or has population frequency not consistent with disease.

NM_025137.4(SPG11):c.6007-13G>C

Gene: SPG11 (SPG11 vesicle trafficking associated, spatacsin; minus strand). Cytogenetic location: 15q21.1.
Variant type: single nucleotide variant.
Coding change: c.6007-13G>C on transcript NM_025137.4 (MANE Select); 13 bases into the intron before coding-DNA position 6007, G replaced by C.
Molecular consequence: intron variant.
Genome position (GRCh38, 1-based): chr15:44,573,758, C>G on the plus strand (G>C on the coding strand, the complement: SPG11 is on the minus strand). VCF-style: chr15-44573758-C-G. GRCh37 (hg19) VCF-style: chr15-44865956-C-G.
Other names: c.5867-938G>C (NM_001160227.2).
Identifiers: ClinVar variation 510807 (VCV000510807.3), dbSNP rs914339608, ClinGen allele CA658798321.